The following is an entry in ClinVar:

ClinVar aggregate classification (germline): Likely benign. Review status: criteria provided, multiple submitters, no conflicts (2 of 4 stars). 10 submissions from 10 submitters: Likely benign (6). 4 of the submissions do not count toward it. Last evaluated 2026-01-18.

Conditions:
PCDH15-related disorder. Also called: PCDH15-related condition; PCDH15-related disorders.
Usher syndrome type 1F (USH1F). Also called: USHER SYNDROME, TYPE IF. Identifiers: Orphanet 231169, Orphanet 886, MedGen C1865885, MONDO:0011186, OMIM 602083.

Submissions (10):

Labcorp Genetics (formerly Invitae), Labcorp
Classification: Likely benign. Last evaluated: 2026-01-18. Review status: criteria provided, single submitter. Criteria: Invitae Variant Classification Sherloc (09022015). Collection method: clinical testing. Allele origin: germline.

Blueprint Genetics
Classification: Likely benign. Last evaluated: 2024-11-01. Review status: criteria provided, single submitter. Criteria: ACMG Guidelines, 2015. Collection method: clinical testing. Allele origin: germline.

CeGaT Center for Human Genetics Tuebingen
Classification: Likely benign. Last evaluated: 2023-08-01. Review status: criteria provided, single submitter. Criteria: CeGaT Center For Human Genetics Tuebingen Variant Classification Criteria Version 2. Collection method: clinical testing. Allele origin: germline. Affected: yes. Observed: 1 variant allele.
Comment: PCDH15: BS1

GeneDx
Classification: Likely benign. Last evaluated: 2020-11-23. Review status: criteria provided, single submitter. Criteria: GeneDx Variant Classification Process June 2021. Collection method: clinical testing. Allele origin: germline. Affected: yes.

Eurofins Ntd Llc (ga)
Classification: Likely benign. Last evaluated: 2017-11-03. Review status: criteria provided, single submitter. Criteria: EGL Classification Definitions 2015. Collection method: clinical testing. Allele origin: germline. Observed: 1 variant allele, 1 heterozygote.

Laboratory for Molecular Medicine, Mass General Brigham Personalized Medicine
Classification: Likely benign. Last evaluated: 2017-04-25. Review status: criteria provided, single submitter. Criteria: LMM Criteria. Collection method: clinical testing. Allele origin: germline. Observed: 2 variant alleles.
Comment: p.Pro1760_Pro1762del in exon 33 of PCDH15: This variant is not expected to have clinical significance because it has been identified in 0.4% (77/20736) of Afric an chromosomes by the Genome Aggregation Database (gnomAD; dbSNP rs373916538).

PreventionGenetics, part of Exact Sciences
Classification: Likely benign for PCDH15-related condition. Last evaluated: 2023-08-10. Review status: no assertion criteria provided. Collection method: clinical testing. Allele origin: germline. Not counted in ClinVar's aggregate classification.
Comment: This variant is classified as likely benign based on ACMG/AMP sequence variant interpretation guidelines (Richards et al. 2015 PMID: 25741868, with internal and published modifications).

Counsyl
Classification: Likely benign for Usher syndrome type 1F. Last evaluated: 2018-03-05. Review status: no assertion criteria provided. Collection method: clinical testing. Allele origin: unknown. Not counted in ClinVar's aggregate classification.

Clinical Genetics DNA and cytogenetics Diagnostics Lab, Erasmus MC, Erasmus Medical Center
Classification: Likely benign. Review status: no assertion criteria provided. Collection method: clinical testing. Allele origin: germline. Affected: yes. Study: VKGL Data-share Consensus. Not counted in ClinVar's aggregate classification.

Clinical Genetics, Academic Medical Center
Classification: Likely benign. Review status: no assertion criteria provided. Collection method: clinical testing. Allele origin: germline. Affected: yes. Study: VKGL Data-share Consensus. Not counted in ClinVar's aggregate classification.

NM_033056.4(PCDH15):c.5278_5286del (p.Pro1760_Pro1762del)

Gene: PCDH15 (protocadherin related 15; minus strand). Cytogenetic location: 10q21.1.
Variant type: Deletion.
Coding change: c.5278_5286del on transcript NM_033056.4 (MANE Plus Clinical); coding-DNA positions 5278 to 5286, 9 bases deleted (CCTGCTCCT; older notation c.5278_5286delCCTGCTCCT).
Protein change: p.Pro1760_Pro1762del.
Molecular consequence: inframe deletion. On other transcripts: intron variant (8).
Genome position (GRCh38, 1-based): chr10:53,822,440-53,822,448, AGGAGCAGG deleted on the plus strand (CCTGCTCCT on the coding strand, the reverse complement: PCDH15 is on the minus strand); deleting any 9 consecutive bases within chr10:53,822,440-53,822,453 gives the same sequence; the c. name uses the placement nearest the transcript's 3' end. VCF-style (leftmost placement, unchanged base first): chr10-53822439-CAGGAGCAGG-C. GRCh37 (hg19) VCF-style: chr10-55582199-CAGGAGCAGG-C.
Other names: c.5278_5286del (NM_033056.3); c.5299_5307del, p.Pro1767_Pro1769del (NM_001142763.2); c.5284_5292del, p.Pro1762_Pro1764del (NM_001142764.2); c.5071_5079del, p.Pro1691_Pro1693del (NM_001142765.2); c.5269_5277del, p.Pro1757_Pro1759del (NM_001142766.2); c.5158_5166del, p.Pro1720_Pro1722del (NM_001142767.2); c.5218_5226del, p.Pro1740_Pro1742del (NM_001142768.2); c.5209_5217del, p.Pro1737_Pro1739del (NM_001142773.2); and 8 more.
Identifiers: ClinVar variation 421481 (VCV000421481.48), dbSNP rs373916538, ClinGen allele CA5505076.